The following is an entry in ClinVar:

ClinVar aggregate classification (germline): Uncertain significance (1 of 4 stars; one submission).

Allele frequency attached by ClinVar (database versions not stated): gnomAD 0.00001; ExAC 0.00002; gnomAD exomes 0.00002; TOPMed 0.00002.
gnomAD v4.1: 35 of 1,613,882 alleles (0.0022%); highest among the groups gnomAD compares: Non-Finnish European, 0.0029%; no homozygotes.

Submission:

Labcorp Genetics (formerly Invitae), Labcorp
Classification: Uncertain significance. Last evaluated: 2025-06-14. Review status: criteria provided, single submitter. Criteria: Invitae Variant Classification Sherloc (09022015). Collection method: clinical testing. Allele origin: germline.
Comment: This sequence change replaces arginine, which is basic and polar, with glutamine, which is neutral and polar, at codon 855 of the ADCY1 protein (p.Arg855Gln). This variant is present in population databases (rs776941723, gnomAD 0.005%). This variant has not been reported in the literature in individuals affected with ADCY1-related conditions. ClinVar contains an entry for this variant (Variation ID: 1908994). Invitae Evidence Modeling of protein sequence and biophysical properties (such as structural, functional, and spatial information, amino acid conservation, physicochemical variation, residue mobility, and thermodynamic stability) indicates that this missense variant is not expected to disrupt ADCY1 protein function with a negative predictive value of 80%. In summary, the available evidence is currently insufficient to determine the role of this variant in disease. Therefore, it has been classified as a Variant of Uncertain Significance.

NM_021116.4(ADCY1):c.2564G>A (p.Arg855Gln)

Gene: ADCY1 (adenylate cyclase 1; plus strand). Cytogenetic location: 7p12.3.
Variant type: single nucleotide variant.
Coding change: c.2564G>A on transcript NM_021116.4 (MANE Select); coding-DNA position 2564, G replaced by A.
Protein change: p.Arg855Gln; replaces arginine 855 with glutamine.
Molecular consequence: missense variant.
Genome position (GRCh38, 1-based): chr7:45,703,485, G>A. VCF-style: chr7-45703485-G-A. GRCh37 (hg19) VCF-style: chr7-45743084-G-A.
Other names: short protein forms R855Q.
Identifiers: ClinVar variation 1908994 (VCV001908994.5), dbSNP rs776941723, ClinGen allele CA4249270.